The following is an entry in ClinVar:

NM_001040108.2(MLH3):c.3722A>G (p.Tyr1241Cys)

Gene: MLH3 (mutL homolog 3; minus strand). Cytogenetic location: 14q24.3.
Variant type: single nucleotide variant.
Coding change: c.3722A>G on transcript NM_001040108.2 (MANE Select); coding-DNA position 3722, A replaced by G.
Protein change: p.Tyr1241Cys; replaces tyrosine 1241 with cysteine.
Molecular consequence: missense variant.
Genome position (GRCh38, 1-based): chr14:75,032,173, T>C on the plus strand (A>G on the coding strand, the complement: MLH3 is on the minus strand). VCF-style: chr14-75032173-T-C. GRCh37 (hg19) VCF-style: chr14-75498876-T-C.
Other names: c.3650A>G, p.Tyr1217Cys (NM_014381.3); short protein forms Y1241C, Y1217C.
Identifiers: ClinVar variation 3295090 (VCV003295090.1).

ClinVar aggregate classification (germline): Uncertain significance (1 of 4 stars; one submission).

gnomAD v4.1: 2 of 1,603,642 alleles (0.00012%); highest among the groups gnomAD compares: Non-Finnish European, 0.00017%; no homozygotes.

Submission:

Ambry Genetics
Classification: Uncertain significance. Last evaluated: 2024-03-19. Review status: criteria provided, single submitter. Criteria: Ambry Variant Classification Scheme 2023. Collection method: clinical testing. Allele origin: germline.
Comment: The p.Y1241C variant (also known as c.3722A>G), located in coding exon 7 of the MLH3 gene, results from an A to G substitution at nucleotide position 3722. The tyrosine at codon 1241 is replaced by cysteine, an amino acid with highly dissimilar properties. This amino acid position is conserved. In addition, the in silico prediction for this alteration is inconclusive. Based on the available evidence, the clinical significance of this alteration remains unclear.